The following is an entry in ClinVar:

ClinVar aggregate classification (germline): Uncertain significance (1 of 4 stars; one submission).

Conditions:
Familial cold autoinflammatory syndrome 2 (FCAS2). Identifiers: Orphanet 247868, MedGen C2673198, MONDO:0012724, OMIM 611762.

gnomAD v4.1: 1 of 1,614,168 alleles (0.000062%); highest among the groups gnomAD compares: Non-Finnish European, 0.000085%; no homozygotes.

Submission:

Labcorp Genetics (formerly Invitae), Labcorp
Classification: Uncertain significance for Familial cold autoinflammatory syndrome 2. Last evaluated: 2025-03-04. Review status: criteria provided, single submitter. Criteria: Invitae Variant Classification Sherloc (09022015). Collection method: clinical testing. Allele origin: germline.
Comment: This sequence change replaces leucine, which is neutral and non-polar, with phenylalanine, which is neutral and non-polar, at codon 943 of the NLRP12 protein (p.Leu943Phe). This variant is not present in population databases (gnomAD no frequency). This variant has not been reported in the literature in individuals affected with NLRP12-related conditions. An algorithm developed to predict the effect of missense changes on protein structure and function (PolyPhen-2) suggests that this variant is likely to be disruptive. In summary, the available evidence is currently insufficient to determine the role of this variant in disease. Therefore, it has been classified as a Variant of Uncertain Significance.

NM_144687.4(NLRP12):c.2827C>T (p.Leu943Phe)

Gene: NLRP12 (NLR family pyrin domain containing 12; minus strand). Cytogenetic location: 19q13.42.
Variant type: single nucleotide variant.
Coding change: c.2827C>T on transcript NM_144687.4 (MANE Select); coding-DNA position 2827, C replaced by T.
Protein change: p.Leu943Phe; replaces leucine 943 with phenylalanine.
Molecular consequence: missense variant. On other transcripts: intron variant (1).
Genome position (GRCh38, 1-based): chr19:53,798,343, G>A on the plus strand (C>T on the coding strand, the complement: NLRP12 is on the minus strand). VCF-style: chr19-53798343-G-A. GRCh37 (hg19) VCF-style: chr19-54301597-G-A.
Other names: c.2830C>T, p.Leu944Phe (NM_001277126.2); c.2757-2314C>T (NM_001277129.1); short protein forms L943F, L944F.
Identifiers: ClinVar variation 4714260 (VCV004714260.1).